The following is an entry in ClinVar:

NM_012203.2(GRHPR):c.337G>A (p.Glu113Lys)

Gene: GRHPR (glyoxylate and hydroxypyruvate reductase; plus strand). Cytogenetic location: 9p13.2.
Variant type: single nucleotide variant.
Coding change: c.337G>A on transcript NM_012203.2 (MANE Select); coding-DNA position 337, G replaced by A.
Protein change: p.Glu113Lys; replaces glutamic acid 113 with lysine.
Molecular consequence: missense variant.
Genome position (GRCh38, 1-based): chr9:37,426,587, G>A. VCF-style: chr9-37426587-G-A. GRCh37 (hg19) VCF-style: chr9-37426584-G-A.
Other names: short protein forms E113K.
Identifiers: ClinVar variation 188765 (VCV000188765.19), dbSNP rs180177307, ClinGen allele CA273930.

ClinVar aggregate classification (germline): Likely pathogenic. Review status: criteria provided, multiple submitters, no conflicts (2 of 4 stars). 8 submissions from 8 submitters: Likely pathogenic (5). 3 of the submissions do not count toward it. Last evaluated 2026-06-02.

Conditions:
Primary hyperoxaluria, type II (HP2). Also called: D-GLYCERATE DEHYDROGENASE DEFICIENCY; GLYCERIC ACIDURIA; GLYOXYLATE REDUCTASE/HYDROXYPYRUVATE REDUCTASE DEFICIENCY; OXALOSIS II; Primary hyperoxaluria type 2. Identifiers: Orphanet 416, Orphanet 93599, MedGen C0268165, MONDO:0009824, OMIM 260000. Disease mechanism: loss of function.

Allele frequency attached by ClinVar (database versions not stated): gnomAD exomes below 0.00001 and 0.00001; gnomAD 0.00001.
gnomAD v4.1: 11 of 1,613,886 alleles (0.00068%); highest among the groups gnomAD compares: Admixed American, 0.0033%; no homozygotes.

Submissions (8):

Women's Health and Genetics/Laboratory Corporation of America, LabCorp
Classification: Likely pathogenic for Primary hyperoxaluria, type II. Last evaluated: 2026-06-02. Review status: criteria provided, single submitter. Criteria: LabCorp Variant Classification Summary - May 2015. Collection method: clinical testing. Allele origin: germline.
Comment: Variant summary: GRHPR c.337G>A (p.Glu113Lys) results in a conservative amino acid change located in the D-isomer specific 2-hydroxyacid dehydrogenase, catalytic domain (IPR006139) of the encoded protein sequence. Algorithms developed to predict the effect of missense changes on protein structure and function are either unavailable or do not agree on the potential impact of this missense change. The variant allele was found at a frequency of 4e-06 in 251480 control chromosomes. c.337G>A has been observed in individual(s) affected with GRHPR-related Primary Hyperoxaluria Type 2 (Takayama_2007, Hopp_2015, Zhao_2022). These data indicate that the variant may be associated with disease. At least one publication reports experimental evidence evaluating an impact on protein function (Takayama_2007). The most pronounced variant effect results in abolishment of normal GRHPR enzyme activity in an in-vitro COS-1 experimental system. The following publications have been ascertained in the context of this evaluation (PMID: 25644115, 19296982, 17510093, 35149915). ClinVar contains an entry for this variant (Variation ID: 188765). Based on the evidence outlined above, the variant was classified as likely pathogenic.

Myriad Genetics, Inc.
Classification: Likely pathogenic for Primary hyperoxaluria, type II. Last evaluated: 2025-06-06. Review status: criteria provided, single submitter. Criteria: Myriad Autosomal Dominant, Autosomal Recessive and X-Linked Classification Criteria (2023). Collection method: clinical testing. Allele origin: unknown.
Comment: NM_012203.1(GRHPR):c.337G>A(E113K) is a missense variant classified as likely pathogenic in the context of primary hyperoxaluria type 2. E113K has been observed in cases with relevant disease (PMID: 25644115, 31328266, 35149915, 17510093). Relevant functional assessments of this variant are available in the literature (PMID: 17510093). Internal structural analysis of the variant is supportive of pathogenicity. E113K has been observed in referenced population frequency databases. In summary, NM_012203.1(GRHPR):c.337G>A(E113K) is a missense variant that has both functional and internal structural support for pathogenicity and has been observed more frequently in cases with the relevant disease than in healthy populations. Please note: this variant was assessed in the context of healthy population screening.

Natera, Inc.
Classification: Likely pathogenic for Primary hyperoxaluria type II. Last evaluated: 2024-06-21. Review status: criteria provided, single submitter. Criteria: Natera Variant Classification Schema (03/2026). Collection method: clinical testing. Allele origin: germline.
Comment: The c.337G>A variant in GRHPR is a missense variant predicted to cause substitution of glutamic acid to lysine at amino acid 113. This variant is rare in the general population with a frequency below the threshold expected for the associated phenotype(s). This variant has been observed in one or more individuals affected with the associated recessive disease, as either homozygous or compound heterozygous with a second variant (PMID: 17510093, 25644115). Functional studies show that this variant may disrupt protein function (PMID: 17510093). Computational prediction algorithms indicate this variant is likely to affect gene or protein function. Given the available evidence, this variant is classified as Likely Pathogenic.

Labcorp Genetics (formerly Invitae), Labcorp
Classification: Likely pathogenic. Last evaluated: 2023-12-14. Review status: criteria provided, single submitter. Criteria: Invitae Variant Classification Sherloc (09022015). Collection method: clinical testing. Allele origin: germline.
Comment: This sequence change replaces glutamic acid, which is acidic and polar, with lysine, which is basic and polar, at codon 113 of the GRHPR protein (p.Glu113Lys). This variant is present in population databases (rs180177307, gnomAD 0.0009%). This missense change has been observed in individual(s) with clinical features of primary hyperoxaluria type 2 (PMID: 17510093, 35149915). ClinVar contains an entry for this variant (Variation ID: 188765). Advanced modeling of protein sequence and biophysical properties (such as structural, functional, and spatial information, amino acid conservation, physicochemical variation, residue mobility, and thermodynamic stability) performed at Invitae indicates that this missense variant is expected to disrupt GRHPR protein function with a positive predictive value of 80%. Experimental studies have shown that this missense change affects GRHPR function (PMID: 17510093). In summary, the currently available evidence indicates that the variant is pathogenic, but additional data are needed to prove that conclusively. Therefore, this variant has been classified as Likely Pathogenic.

Juno Genomics, Hangzhou Juno Genomics, Inc
Classification: Likely pathogenic for Primary hyperoxaluria, type II. Review status: criteria provided, single submitter. Criteria: ACMG Guidelines, 2015. Collection method: clinical testing. Allele origin: germline.
Comment: Absent from controls (or at extremely low frequency if recessive) in Genome Aggregation Database.;For recessive disorders, detected in trans with a pathogenic variant.;Patient's phenotype or family history is highly specific for a disease with a single genetic etiology.;Well-established in vitro or in vivo functional studies supportive of a damaging effect on the gene or gene product.

Chinese Inherited Urolithiasis Consortium, The Affiliated Yantai Yuhuangding Hospital of Qingdao University
Classification: Likely pathogenic for Primary hyperoxaluria, type II. Last evaluated: 2024-08-26. Review status: no assertion criteria provided. Collection method: clinical testing. Allele origin: paternal. Affected: yes. Observed: 1 variant allele. Not counted in ClinVar's aggregate classification.

Clinical Biochemistry Laboratory, Health Services Laboratory
Classification: Pathogenic for Primary hyperoxaluria, type II. Last evaluated: 2014-11-27. Review status: no assertion criteria provided. Collection method: in vitro. Allele origin: germline. Affected: yes. Not counted in ClinVar's aggregate classification.

Counsyl
Classification: Likely pathogenic for Primary hyperoxaluria, type II. Last evaluated: 2014-04-22. Review status: no assertion criteria provided. Collection method: literature only. Allele origin: unknown. Inheritance: Autosomal recessive inheritance. Not counted in ClinVar's aggregate classification.

Literature cited by the submitters: PubMed 25644115 (cited by 3 submitters); PubMed 19296982 (cited by Women's Health and Genetics/Laboratory Corporation of America, LabCorp); PubMed 17510093 (cited by 6 submitters); PubMed 35149915 (cited by 3 submitters); PubMed 31328266 (cited by Myriad Genetics, Inc.).